The following is an entry in ClinVar:

NM_032806.6(POMGNT2):c.1062C>A (p.Phe354Leu)

Gene: POMGNT2 (protein O-linked mannose N-acetylglucosaminyltransferase 2 (beta 1,4-); minus strand). Cytogenetic location: 3p22.1.
Variant type: single nucleotide variant.
Coding change: c.1062C>A on transcript NM_032806.6 (MANE Select); coding-DNA position 1062, C replaced by A.
Protein change: p.Phe354Leu; replaces phenylalanine 354 with leucine.
Molecular consequence: missense variant.
Genome position (GRCh38, 1-based): chr3:43,080,370, G>T on the plus strand (C>A on the coding strand, the complement: POMGNT2 is on the minus strand). VCF-style: chr3-43080370-G-T. GRCh37 (hg19) VCF-style: chr3-43121862-G-T.
Other names: short protein forms F354L.
Identifiers: ClinVar variation 970687 (VCV000970687.1), dbSNP rs2089838642, ClinGen allele CA352301927.

ClinVar aggregate classification (germline): Uncertain significance (1 of 4 stars; one submission).

Conditions:
Muscular dystrophy-dystroglycanopathy (congenital with brain and eye anomalies), type a, 8 (MDDGA8). Also called: WALKER-WARBURG SYNDROME OR MUSCLE-EYE-BRAIN DISEASE, GTDC2-RELATED. Identifiers: Orphanet 899, MedGen C3553813, MONDO:0013904, OMIM 614830.

Allele frequency attached by ClinVar (database versions not stated): TOPMed below 0.00001.

Submission:

Labcorp Genetics (formerly Invitae), Labcorp
Classification: Uncertain significance for Muscular dystrophy-dystroglycanopathy (congenital with brain and eye anomalies), type a, 8. Last evaluated: 2019-10-18. Review status: criteria provided, single submitter. Criteria: Invitae Variant Classification Sherloc (09022015). Collection method: clinical testing. Allele origin: germline.
Comment: This sequence change replaces phenylalanine with leucine at codon 354 of the POMGNT2 protein (p.Phe354Leu). The phenylalanine residue is highly conserved and there is a small physicochemical difference between phenylalanine and leucine. This variant is not present in population databases (ExAC no frequency). This variant has not been reported in the literature in individuals with POMGNT2-related conditions. Algorithms developed to predict the effect of missense changes on protein structure and function are either unavailable or do not agree on the potential impact of this missense change (SIFT: "Deleterious"; PolyPhen-2: "Probably Damaging"; Align-GVGD: "Class C15"). In summary, the available evidence is currently insufficient to determine the role of this variant in disease. Therefore, it has been classified as a Variant of Uncertain Significance.